The following is an entry in ClinVar:

NM_194248.3(OTOF):c.3277G>A (p.Glu1093Lys)

Gene: OTOF (otoferlin; minus strand). Cytogenetic location: 2p23.3.
Variant type: single nucleotide variant.
Coding change: c.3277G>A on transcript NM_194248.3 (MANE Select); coding-DNA position 3277, G replaced by A.
Protein change: p.Glu1093Lys; replaces glutamic acid 1093 with lysine.
Molecular consequence: missense variant.
Genome position (GRCh38, 1-based): chr2:26,474,524, C>T on the plus strand (G>A on the coding strand, the complement: OTOF is on the minus strand). VCF-style: chr2-26474524-C-T. GRCh37 (hg19) VCF-style: chr2-26697392-C-T.
Other names: c.3277G>A, p.Glu1093Lys (NM_001287489.2); c.1036G>A, p.Glu346Lys (NM_004802.4, NM_194323.3); c.1207G>A, p.Glu403Lys (NM_194322.3); short protein forms E1093K, E403K, E346K.
Identifiers: ClinVar variation 421589 (VCV000421589.13), dbSNP rs1064795233, ClinGen allele CA16617522.

ClinVar aggregate classification (germline): Conflicting classifications of pathogenicity. Review status: criteria provided, conflicting classifications (1 of 4 stars). 6 submissions from 6 submitters: Likely pathogenic (3); Uncertain significance (1). 2 of the submissions do not count toward it. Last evaluated 2026-02-16.

Conditions:
OTOF-related disorder. Also called: OTOF-related condition.
Auditory neuropathy spectrum disorder. Identifiers: MedGen C2732267.
Autosomal recessive nonsyndromic hearing loss 9. Also called: NEUROSENSORY NONSYNDROMIC RECESSIVE DEAFNESS 9; AUDITORY NEUROPATHY, AUTOSOMAL RECESSIVE, 1, TEMPERATURE-SENSITIVE; Deafness, autosomal recessive 9; OTOF-Related Hearing Loss. Identifiers: Orphanet 90636, MedGen C1832828, MONDO:0010986, OMIM 601071.

Allele frequency attached by ClinVar (database versions not stated): gnomAD exomes 0.00001.
gnomAD v4.1: 62 of 1,608,040 alleles (0.0039%); highest among the groups gnomAD compares: Admixed American, 0.005%; no homozygotes.

Submissions (6):

PreventionGenetics, part of Exact Sciences
Classification: Likely pathogenic for OTOF-related condition. Last evaluated: 2026-02-16. Review status: criteria provided, single submitter. Criteria: ACMG Guidelines, 2015. Collection method: clinical testing. Allele origin: germline.
Comment: The OTOF c.3277G>A variant is predicted to result in the amino acid substitution p.Glu1093Lys. This variant has been reported along with a pathogenic truncating variant (p.Arg425*) in an individual with auditory neuropathy spectrum disorder (ANSD), although phase was not reported (Table S1, Thorpe et al. 2022. PubMed ID: 34424407). This variant has also been reported in three siblings with congenital deafness in trans to a likely pathogenic splicing variant (c.898-2A>G) and in cis to an intronic variant (c.4024-4G>T) that is not predicted to significantly impact splicing via in silico algorithms (SpliceAI, Jaganathan et al. 2019. PubMed ID: 30661751) but using an in vitro minigene splicing assay was shown to result in intron retention in ~50% of transcripts, and therefore we interpret c.4024-4G>T as uncertain (Jiang et al. 2022. PubMed ID: 36458147). In summary, this variant (p.Glu1093Lys) has been observed in trans with a second pathogenic variant in four individuals from two different families, and was likely in trans to a pathogenic variant in a fifth individual, all with features of hearing loss or ANSD. This variant is reported in 0.0089% of alleles in individuals of Latino descent in gnomAD. This variant is interpreted as likely pathogenic.

GeneDx
Classification: Likely pathogenic. Last evaluated: 2025-03-06. Review status: criteria provided, single submitter. Criteria: GeneDx Variant Classification Process June 2021. Collection method: clinical testing. Allele origin: germline. Affected: yes.
Comment: In silico analysis supports that this missense variant has a deleterious effect on protein structure/function; Not observed at significant frequency in large population cohorts (gnomAD); This variant is associated with the following publications: (PMID: 34424407, 36458147)

Eurofins Ntd Llc (ga)
Classification: Uncertain significance. Last evaluated: 2018-05-23. Review status: criteria provided, single submitter. Criteria: EGL ClinVar v180209 classification definitions. Collection method: clinical testing. Allele origin: germline. Observed: 1 variant allele, 1 heterozygote.

Juno Genomics, Hangzhou Juno Genomics, Inc
Classification: Likely pathogenic for Autosomal recessive nonsyndromic hearing loss 9. Review status: criteria provided, single submitter. Criteria: ACMG Guidelines, 2015. Collection method: clinical testing. Allele origin: germline. Affected: yes.
Comment: Absent from controls (or at extremely low frequency if recessive) in Genome Aggregation Database.;Multiple lines of computational evidence support a deleterious effect on the gene or gene product.;For recessive disorders, detected in trans with a pathogenic variant.;Patient's phenotype or family history is highly specific for a disease with a single genetic etiology.;Co-segregation with disease in multiple affected family members.

Diagnosis and Treatment Center of Genetic Hearing Loss, Eye & ENT Hospital of Fudan University
Classification: Likely pathogenic for Autosomal recessive nonsyndromic hearing loss 9. Last evaluated: 2026-02-04. Review status: no assertion criteria provided. Collection method: clinical testing. Allele origin: germline. Inheritance: Autosomal recessive inheritance. Affected: yes. Not counted in ClinVar's aggregate classification.
Comment: The c.3277G>A missense variant in OTOF has a population frequency of 0.000012 (PM2_Supporting). It has been reported in at least two probands in trans with pathogenic/likely pathogenic variants (c.[4024-4G>T;3277G>A];[898-2A>G] and c.[3277G>A];[1273C>T]) (PM3). The REVEL score is 0.739 (PP3). The phenotype is consistent with auditory neuropathy (PP4). In a family it segregated with disease (PP1). (PMID: 36458147, 34424407)

Department of Otolaryngology, Head and Neck Surgery, Beijing Friendship Hospital, Capital Medical University
Classification: Pathogenic for Auditory neuropathy spectrum disorder. Last evaluated: 2020-02-23. Review status: no assertion criteria provided. Collection method: clinical testing. Allele origin: inherited. Inheritance: Autosomal recessive inheritance. Affected: yes. Not counted in ClinVar's aggregate classification.

Literature cited by the submitters: PubMed 36458147 (cited by Diagnosis and Treatment Center of Genetic Hearing Loss, Eye & ENT Hospital of Fudan University); PubMed 34424407 (cited by Diagnosis and Treatment Center of Genetic Hearing Loss, Eye & ENT Hospital of Fudan University).